The following is an entry in ClinVar:

NM_000257.4(MYH7):c.1977G>C (p.Met659Ile)

Gene: MYH7 (myosin heavy chain 7; minus strand). Cytogenetic location: 14q11.2.
Variant type: single nucleotide variant.
Coding change: c.1977G>C on transcript NM_000257.4 (MANE Select); coding-DNA position 1977, G replaced by C.
Protein change: p.Met659Ile; replaces methionine 659 with isoleucine.
Molecular consequence: missense variant.
Genome position (GRCh38, 1-based): chr14:23,426,844, C>G on the plus strand (G>C on the coding strand, the complement: MYH7 is on the minus strand). VCF-style: chr14-23426844-C-G. GRCh37 (hg19) VCF-style: chr14-23896053-C-G.
Other names: c.1977G>C, p.Met659Ile (NM_001407004.1); short protein forms M659I.
Identifiers: ClinVar variation 1783736 (VCV001783736.10), dbSNP rs1241603111, ClinGen allele CA389049401.

ClinVar aggregate classification (germline): Conflicting classifications of pathogenicity. Review status: criteria provided, conflicting classifications (1 of 4 stars). 3 submissions from 3 submitters: Likely pathogenic (1); Uncertain significance (2). Last evaluated 2026-08-26.

Conditions:
Hypertrophic cardiomyopathy. Also called: HYPERTROPHIC MYOCARDIOPATHY. Identifiers: Orphanet 217569, MedGen C0007194, MeSH D002312, MONDO:0005045, HP:0001639.
Cardiovascular phenotype. Identifiers: MedGen CN230736.
Hypertrophic cardiomyopathy 1 (CMH1). Also called: Familial hypertrophic cardiomyopathy 1; MYH7-Related Familial Hypertrophic Cardiomyopathy. Identifiers: MedGen C3495498, MONDO:0008647, OMIM 192600.

Submissions (3):

Institute of Human Genetics, University of Leipzig Medical Center
Classification: Likely pathogenic for Hypertrophic cardiomyopathy 1. Last evaluated: 2026-08-26. Review status: criteria provided, single submitter. Criteria: ACMG Guidelines, 2015. Collection method: clinical testing. Allele origin: unknown. Inheritance: Autosomal dominant inheritance. Affected: yes.
Comment: Criteria applied: PS1,PM1,PM2_SUP,PP3

Labcorp Genetics (formerly Invitae), Labcorp
Classification: Uncertain significance for Hypertrophic cardiomyopathy. Last evaluated: 2022-07-27. Review status: criteria provided, single submitter. Criteria: Invitae Variant Classification Sherloc (09022015). Collection method: clinical testing. Allele origin: germline.
Comment: In summary, the available evidence is currently insufficient to determine the role of this variant in disease. Therefore, it has been classified as a Variant of Uncertain Significance. This variant is found within a region of MYH7 between codons 181 and 937 that contains the majority of the myosin head domain. Missense variants in this region have been shown to be significantly overrepresented in individuals with hypertrophic cardiomyopathy (PMID: 27532257). Algorithms developed to predict the effect of missense changes on protein structure and function are either unavailable or do not agree on the potential impact of this missense change (SIFT: "Deleterious"; PolyPhen-2: "Probably Damaging"; Align-GVGD: "Class C0"). This missense change has been observed in individual(s) with clinical features of hypertrophic cardiomyopathy (PMID: 12707239, 21959974). This variant is not present in population databases (gnomAD no frequency). This sequence change replaces methionine, which is neutral and non-polar, with isoleucine, which is neutral and non-polar, at codon 659 of the MYH7 protein (p.Met659Ile).

Ambry Genetics
Classification: Uncertain significance for Cardiovascular phenotype. Last evaluated: 2021-09-12. Review status: criteria provided, single submitter. Criteria: Ambry Variant Classification Scheme 2023. Collection method: clinical testing. Allele origin: germline.
Comment: The p.M659I variant (also known as c.1977G>C), located in coding exon 16 of the MYH7 gene, results from a G to C substitution at nucleotide position 1977. The methionine at codon 659 is replaced by isoleucine, an amino acid with highly similar properties. This alteration is located in the myosin head domain, which contains a statistically significant clustering of pathogenic missense variants (Homburger JR et al. Proc Natl Acad Sci U S A, 2016 06;113:6701-6; Walsh R et al. Genet Med, 2017 02;19:192-203; Ambry internal data). This alteration has been detected in individuals reported to have hypertrophic cardiomyopathy (HCM); however, clinical details were limited (Richard P et al. Circulation, 2003 May;107:2227-32; Bashyam MD et al. Mol Cell Biochem, 2012 Jan;360:373-82; Dementyeva EV et al. Stem Cell Res, 2020 07;46:101840). This amino acid position is highly conserved in available vertebrate species. In addition, this alteration is predicted to be deleterious by in silico analysis. Since supporting evidence is limited at this time, the clinical significance of this alteration remains unclear.

Literature cited by the submitters: PubMed 27532257 (cited by Labcorp Genetics (formerly Invitae), Labcorp); PubMed 12707239 (cited by Labcorp Genetics (formerly Invitae), Labcorp and Ambry Genetics); PubMed 21959974 (cited by Labcorp Genetics (formerly Invitae), Labcorp and Ambry Genetics); PubMed 32422568 (cited by Ambry Genetics).